The following is an entry in ClinVar:

ClinVar aggregate classification (germline): Conflicting classifications of pathogenicity. Review status: criteria provided, conflicting classifications (1 of 4 stars). 2 submissions from 2 submitters: Uncertain significance (1); Likely benign (1). Last evaluated 2026-01-13.

Conditions:
ZTTK syndrome (ZTTKS). Also called: Zhu-Tokita-Takenouchi-Kim Syndrome; ZTTK MULTIPLE CONGENITAL ANOMALIES-MENTAL RETARDATION SYNDROME. Identifiers: Orphanet 500150, MedGen C4310696, MONDO:0014936, OMIM 617140.

Allele frequency attached by ClinVar (database versions not stated): ExAC 0.00001; gnomAD exomes 0.00004.
gnomAD v4.1: 23 of 1,614,210 alleles (0.0014%); highest among the groups gnomAD compares: Middle Eastern, 0.33%; 1 homozygote.

Submissions (2):

Women's Health and Genetics/Laboratory Corporation of America, LabCorp
Classification: Likely benign. Last evaluated: 2026-01-13. Review status: criteria provided, single submitter. Criteria: LabCorp Variant Classification Summary - May 2015. Collection method: clinical testing. Allele origin: germline.
Comment: Variant summary: SON c.5138A>G (p.Lys1713Arg) results in a conservative amino acid change in the encoded protein sequence. Algorithms developed to predict the effect of missense changes on protein structure and function all suggest that this variant is likely to be tolerated. The variant allele was found at a frequency of 1.4e-05 in 1614210 control chromosomes in the gnomAD database (v4.1 dataset), including 21 heterozygotes and 1 homozygote. The number of occurrences in controls is inconsistent with the early onset, severe presentation of SON-related conditions (GeneReviews Bookshelf ID: NBK618356). To our knowledge, no occurrence of c.5138A>G in individuals affected with SON-related conditions and no experimental evidence demonstrating its impact on protein function have been reported. ClinVar contains an entry for this variant (Variation ID: 2436238). Based on the evidence outlined above, the variant was classified as likely benign.

Revvity Omics, Revvity
Classification: Uncertain significance for ZTTK syndrome. Last evaluated: 2022-08-23. Review status: criteria provided, single submitter. Criteria: ACMG Guidelines, 2015. Collection method: clinical testing. Allele origin: germline.

NM_138927.4(SON):c.5138A>G (p.Lys1713Arg)

Gene: SON (SON DNA and RNA binding protein; plus strand). Cytogenetic location: 21q22.11.
Variant type: single nucleotide variant.
Coding change: c.5138A>G on transcript NM_138927.4 (MANE Select); coding-DNA position 5138, A replaced by G.
Protein change: p.Lys1713Arg; replaces lysine 1713 with arginine.
Molecular consequence: missense variant. On other transcripts: non-coding transcript variant (1), intron variant (1).
Genome position (GRCh38, 1-based): chr21:33,554,369, A>G. VCF-style: chr21-33554369-A-G. GRCh37 (hg19) VCF-style: chr21-34926675-A-G.
Other names: c.5138A>G, p.Lys1713Arg (NM_001291411.2, NM_001412133.1, NM_032195.3 and 2 more transcripts); c.245-2787A>G (NM_001291412.3); short protein forms K1713R.
Identifiers: ClinVar variation 2436238 (VCV002436238.4), dbSNP rs752358032, ClinGen allele CA10009665.